The following is an entry in ClinVar:

NM_000537.4(REN):c.390C>T (p.Phe130=)

Gene: REN (renin; minus strand). Cytogenetic location: 1q32.1.
Variant type: single nucleotide variant.
Coding change: c.390C>T on transcript NM_000537.4 (MANE Select); coding-DNA position 390, C replaced by T.
Protein change: p.Phe130=; no amino-acid change (phenylalanine 130 retained).
Molecular consequence: synonymous variant.
Genome position (GRCh38, 1-based): chr1:204,160,662, G>A on the plus strand (C>T on the coding strand, the complement: REN is on the minus strand). VCF-style: chr1-204160662-G-A. GRCh37 (hg19) VCF-style: chr1-204129790-G-A.
Identifiers: ClinVar variation 294961 (VCV000294961.15), dbSNP rs377092171, ClinGen allele CA1344950.
Genomic context (GRCh38, chr1:204,160,662, plus strand): 5'-TGAATAGCGGAGGGTGAGTTCTGTTCCATTGTGCTTGTAGCTGGAGGAATCCGAAGCATC[G>A]AAGAGCTTGTGATACACTGGCAGGGGGACAGAGGCTCAGGTTTGTCCAAGAGTGGCCCAG-3'
Protein context (NP_000528.1, residues 120-140): LYTACVYHKL[Phe130=]DASDSSSYKH

ClinVar aggregate classification (germline): Conflicting classifications of pathogenicity. Review status: criteria provided, conflicting classifications (1 of 4 stars). 5 submissions from 4 submitters: Uncertain significance (2); Likely benign (2). 1 of the submissions does not count toward it. Last evaluated 2024-10-28.

Conditions:
REN-related disorder. Also called: REN-related condition.
Familial juvenile hyperuricemic nephropathy type 2 (ADTKD4). Also called: Autosomal Dominant Tubulointerstitial Kidney Disease – REN; EARLY-ONSET HYPERURICEMIA, ANEMIA, AND PROGRESSIVE KIDNEY FAILURE. Identifiers: Orphanet 217330, MedGen C2751310, MONDO:0013128, OMIM 613092.
Renal tubular dysgenesis. Also called: Renotubular dysgenesis. Identifiers: Orphanet 3033, MedGen C0266313, MONDO:0017609, HP:0008660.

Allele frequency attached by ClinVar (database versions not stated): ExAC 0.00001; gnomAD exomes 0.00001; gnomAD 0.00003; TOPMed 0.00004; ESP Exome Variant Server 0.00008.
gnomAD v4.1: 28 of 1,613,690 alleles (0.0017%); highest among the groups gnomAD compares: East Asian, 0.0089%; 1 homozygote.

Submissions (5):

Blueprint Genetics
Classification: Likely benign. Last evaluated: 2024-10-28. Review status: criteria provided, single submitter. Criteria: ACMG Guidelines, 2015. Collection method: clinical testing. Allele origin: germline.

Labcorp Genetics (formerly Invitae), Labcorp
Classification: Likely benign. Last evaluated: 2024-08-11. Review status: criteria provided, single submitter. Criteria: Invitae Variant Classification Sherloc (09022015). Collection method: clinical testing. Allele origin: germline.

Illumina Laboratory Services, Illumina
Classification: Uncertain significance for Renal tubular dysgenesis of genetic origin. Last evaluated: 2018-01-13. Review status: criteria provided, single submitter. Criteria: ICSL Variant Classification Criteria 13 December 2019. Collection method: clinical testing. Allele origin: germline.

Illumina Laboratory Services, Illumina
Classification: Uncertain significance for Familial juvenile hyperuricemic nephropathy type 2. Last evaluated: 2018-01-13. Review status: criteria provided, single submitter. Criteria: ICSL Variant Classification Criteria 13 December 2019. Collection method: clinical testing. Allele origin: germline.

PreventionGenetics, part of Exact Sciences
Classification: Likely benign for REN-related condition. Last evaluated: 2024-03-01. Review status: no assertion criteria provided. Collection method: clinical testing. Allele origin: germline. Not counted in ClinVar's aggregate classification.
Comment: This variant is classified as likely benign based on ACMG/AMP sequence variant interpretation guidelines (Richards et al. 2015 PMID: 25741868, with internal and published modifications).